The following is an entry in ClinVar:

ClinVar aggregate classification (germline): Uncertain significance (1 of 4 stars; one submission).

Conditions:
POLD1-related polyposis and colorectal cancer syndrome (CRCS10). Also called: Colorectal cancer 10; COLORECTAL CANCER, SUSCEPTIBILITY TO, ON CHROMOSOME 19q; Colorectal cancer, susceptibility to, 10. Identifiers: Orphanet 220460, MedGen C2675481, MONDO:0012953, OMIM 612591.

Submission:

Labcorp Genetics (formerly Invitae), Labcorp
Classification: Uncertain significance for POLD1-related polyposis and colorectal cancer syndrome. Last evaluated: 2024-01-19. Review status: criteria provided, single submitter. Criteria: Invitae Variant Classification Sherloc (09022015). Collection method: clinical testing. Allele origin: germline.
Comment: This sequence change replaces proline, which is neutral and non-polar, with serine, which is neutral and polar, at codon 362 of the POLD1 protein (p.Pro362Ser). The frequency data for this variant in the population databases is considered unreliable, as metrics indicate poor data quality at this position in the gnomAD database. This variant has not been reported in the literature in individuals affected with POLD1-related conditions. ClinVar contains an entry for this variant (Variation ID: 1461757). Advanced modeling of protein sequence and biophysical properties (such as structural, functional, and spatial information, amino acid conservation, physicochemical variation, residue mobility, and thermodynamic stability) performed at Invitae indicates that this missense variant is not expected to disrupt POLD1 protein function with a negative predictive value of 80%. In summary, the available evidence is currently insufficient to determine the role of this variant in disease. Therefore, it has been classified as a Variant of Uncertain Significance.

NM_002691.4(POLD1):c.1084C>T (p.Pro362Ser)

Gene: POLD1 (DNA polymerase delta 1, catalytic subunit; plus strand). Cytogenetic location: 19q13.33.
Variant type: single nucleotide variant.
Coding change: c.1084C>T on transcript NM_002691.4 (MANE Select); coding-DNA position 1084, C replaced by T.
Protein change: p.Pro362Ser; replaces proline 362 with serine.
Molecular consequence: missense variant. On other transcripts: non-coding transcript variant (1).
Genome position (GRCh38, 1-based): chr19:50,403,166, C>T. VCF-style: chr19-50403166-C-T. GRCh37 (hg19) VCF-style: chr19-50906423-C-T.
Other names: c.1084C>T, p.Pro362Ser (NM_001256849.1, NM_001308632.1); short protein forms P362S.
Identifiers: ClinVar variation 1461757 (VCV001461757.6), dbSNP rs1178543471, ClinGen allele CA406978292.